The following is an entry in ClinVar:

NM_052876.4(NACC1):c.1202G>A (p.Arg401Gln)

Gene: NACC1 (nucleus accumbens associated 1; plus strand). Cytogenetic location: 19p13.13.
Variant type: single nucleotide variant.
Coding change: c.1202G>A on transcript NM_052876.4 (MANE Select); coding-DNA position 1202, G replaced by A.
Protein change: p.Arg401Gln; replaces arginine 401 with glutamine.
Molecular consequence: missense variant.
Genome position (GRCh38, 1-based): chr19:13,137,352, G>A. VCF-style: chr19-13137352-G-A. GRCh37 (hg19) VCF-style: chr19-13248166-G-A.
Other names: short protein forms R401Q.
Identifiers: ClinVar variation 2630011 (VCV002630011.2), dbSNP rs2513138032, ClinGen allele CA404329299.
Genomic context (GRCh38, chr19:13,137,352, plus strand): 5'-GGGCGCAGCTGATGAACTGCCACGTCAGCGCAGGCACGCGGCACAAGGTCCTACTGCGGC[G>A]GCTCCTGGCCTCCTTCTTTGACCGGTAAGGCCCTTGCCAGAGCCCCAGGGAGGGGGGTGG-3'
Protein context (NP_443108.1, residues 391-411): AGTRHKVLLR[Arg401Gln]LLASFFDRNT

ClinVar aggregate classification (germline): Uncertain significance. Review status: criteria provided, multiple submitters, no conflicts (2 of 4 stars). 2 submissions from 2 submitters: Uncertain significance (2). Last evaluated 2024-03-05.

Conditions:
NACC1-related disorder. Also called: NACC1-related condition.

Allele frequency attached by ClinVar (database versions not stated): gnomAD exomes below 0.00001.
gnomAD v4.1: 2 of 1,613,752 alleles (0.00012%); highest among the groups gnomAD compares: Non-Finnish European, 0.00017%; no homozygotes.

Submissions (2):

GeneDx
Classification: Uncertain significance. Last evaluated: 2024-03-05. Review status: criteria provided, single submitter. Criteria: GeneDx Variant Classification Process June 2021. Collection method: clinical testing. Allele origin: germline. Affected: yes.
Comment: Not observed at significant frequency in large population cohorts (gnomAD); In silico analysis supports that this missense variant does not alter protein structure/function; Has not been previously published as pathogenic or benign to our knowledge

PreventionGenetics, part of Exact Sciences
Classification: Uncertain significance for NACC1-related condition. Last evaluated: 2023-01-12. Review status: criteria provided, single submitter. Criteria: ACMG Guidelines, 2015. Collection method: clinical testing. Allele origin: germline.
Comment: The NACC1 c.1202G>A variant is predicted to result in the amino acid substitution p.Arg401Gln. To our knowledge, this variant has not been reported in the literature or in a large population database, indicating this variant is rare. At this time, the clinical significance of this variant is uncertain due to the absence of conclusive functional and genetic evidence.